The following is an entry in ClinVar:

ClinVar aggregate classification (germline): Likely benign. Review status: criteria provided, multiple submitters, no conflicts (2 of 4 stars). 2 submissions from 2 submitters: Likely benign (2). Last evaluated 2026-05-01.

Conditions:
Early Myoclonic Encephalopathy. Identifiers: MedGen C0270855.

Allele frequency attached by ClinVar (database versions not stated): gnomAD 0.00001; gnomAD exomes 0.00001 and 0.00002; ExAC 0.00002; TOPMed 0.00002.
gnomAD v4.1: 7 of 1,602,960 alleles (0.00044%); highest among the groups gnomAD compares: Admixed American, 0.01%; no homozygotes.

Submissions (2):

CeGaT Center for Human Genetics Tuebingen
Classification: Likely benign. Last evaluated: 2026-05-01. Review status: criteria provided, single submitter. Criteria: CeGaT Center For Human Genetics Tuebingen Variant Classification Criteria Version 2. Collection method: clinical testing. Allele origin: germline. Affected: yes. Observed: 1 variant allele.
Comment: JMJD1C: BP4, BP7

Labcorp Genetics (formerly Invitae), Labcorp
Classification: Likely benign for Early Myoclonic Encephalopathy. Last evaluated: 2024-01-11. Review status: criteria provided, single submitter. Criteria: Invitae Variant Classification Sherloc (09022015). Collection method: clinical testing. Allele origin: germline.

NM_032776.3(JMJD1C):c.5835T>C (p.Asn1945=)

Gene: JMJD1C (jumonji domain containing 1C; minus strand). Cytogenetic location: 10q21.3.
Variant type: single nucleotide variant.
Coding change: c.5835T>C on transcript NM_032776.3 (MANE Select); coding-DNA position 5835, T replaced by C.
Protein change: p.Asn1945=; no amino-acid change (asparagine 1945 retained).
Molecular consequence: synonymous variant. On other transcripts: non-coding transcript variant (1).
Genome position (GRCh38, 1-based): chr10:63,193,372, A>G on the plus strand (T>C on the coding strand, the complement: JMJD1C is on the minus strand). VCF-style: chr10-63193372-A-G. GRCh37 (hg19) VCF-style: chr10-64953132-A-G.
Other names: c.5289T>C, p.Asn1763= (NM_001282948.2, NM_001318154.2); c.4971T>C, p.Asn1657= (NM_001318153.2); c.5721T>C, p.Asn1907= (NM_001322252.2); c.5178T>C, p.Asn1726= (NM_001322254.2, NM_001322258.2).
Identifiers: ClinVar variation 756949 (VCV000756949.12), dbSNP rs772405867, ClinGen allele CA5518022.